The following is an entry in ClinVar:

ClinVar aggregate classification (germline): Uncertain significance (1 of 4 stars; one submission).

Allele frequency attached by ClinVar (database versions not stated): gnomAD exomes below 0.00001 and 0.00002; gnomAD 0.00001; TOPMed 0.00001; ESP Exome Variant Server 0.00008.
gnomAD v4.1: 5 of 1,525,362 alleles (0.00033%); highest among the groups gnomAD compares: Non-Finnish European, 0.00044%; no homozygotes.

Submission:

GeneDx
Classification: Uncertain significance. Last evaluated: 2020-08-04. Review status: criteria provided, single submitter. Criteria: GeneDx Variant Classification Process June 2021. Collection method: clinical testing. Allele origin: germline. Affected: yes.
Comment: In silico analysis supports that this missense variant has a deleterious effect on protein structure/function; Has not been previously published as pathogenic or benign to our knowledge

NM_001042681.2(RERE):c.4361C>T (p.Pro1454Leu)

Gene: RERE (arginine-glutamic acid dipeptide repeats; minus strand). Cytogenetic location: 1p36.23.
Variant type: single nucleotide variant.
Coding change: c.4361C>T on transcript NM_001042681.2 (MANE Select); coding-DNA position 4361, C replaced by T.
Protein change: p.Pro1454Leu; replaces proline 1454 with leucine.
Molecular consequence: missense variant.
Genome position (GRCh38, 1-based): chr1:8,356,225, G>A on the plus strand (C>T on the coding strand, the complement: RERE is on the minus strand). VCF-style: chr1-8356225-G-A. GRCh37 (hg19) VCF-style: chr1-8416285-G-A.
Other names: c.2699C>T, p.Pro900Leu (NM_001042682.2); c.4361C>T, p.Pro1454Leu (NM_012102.4); short protein forms P1454L, P900L.
Identifiers: ClinVar variation 1308189 (VCV001308189.2), dbSNP rs369579455, ClinGen allele CA17688859.
Genomic context (GRCh38, chr1:8,356,225, plus strand): 5'-GTGCCAGGCGGGTAGGGGAAGCGAGCCAGGTGGGGACCGGCAGTCAGGGGGTCGACCAGC[G>A]GGTGAACGGGGCCTGCTGAACCTAAGGAAAGGACAAAACGCCAGATGGAGGCGGTGTGCA-3'
Protein context (NP_001036146.1, residues 1444-1464): LHQGSAGPVH[Pro1454Leu]LVDPLTAGPH